The following is an entry in ClinVar:

NM_015139.3(SLC35D1):c.499T>C (p.Phe167Leu)

Gene: SLC35D1 (solute carrier family 35 member D1; minus strand). Cytogenetic location: 1p31.3.
Variant type: single nucleotide variant.
Coding change: c.499T>C on transcript NM_015139.3 (MANE Select); coding-DNA position 499, T replaced by C.
Protein change: p.Phe167Leu; replaces phenylalanine 167 with leucine.
Molecular consequence: missense variant.
Genome position (GRCh38, 1-based): chr1:67,049,816, A>G on the plus strand (T>C on the coding strand, the complement: SLC35D1 is on the minus strand). VCF-style: chr1-67049816-A-G. GRCh37 (hg19) VCF-style: chr1-67515499-A-G.
Other names: short protein forms F167L.
Identifiers: ClinVar variation 3668173 (VCV003668173.1).

ClinVar aggregate classification (germline): Uncertain significance (1 of 4 stars; one submission).

Conditions:
Schneckenbecken dysplasia. Identifiers: Orphanet 3144, MedGen C0432194, MONDO:0010013, OMIM 269250.

gnomAD v4.1: 12 of 1,613,890 alleles (0.00074%); highest among the groups gnomAD compares: Admixed American, 0.02%; no homozygotes.

Submission:

Labcorp Genetics (formerly Invitae), Labcorp
Classification: Uncertain significance for Schneckenbecken dysplasia. Last evaluated: 2024-06-11. Review status: criteria provided, single submitter. Criteria: Invitae Variant Classification Sherloc (09022015). Collection method: clinical testing. Allele origin: germline.
Comment: This sequence change replaces phenylalanine, which is neutral and non-polar, with leucine, which is neutral and non-polar, at codon 167 of the SLC35D1 protein (p.Phe167Leu). This variant is present in population databases (rs745859084, gnomAD 0.02%). This variant has not been reported in the literature in individuals affected with SLC35D1-related conditions. Advanced modeling of protein sequence and biophysical properties (such as structural, functional, and spatial information, amino acid conservation, physicochemical variation, residue mobility, and thermodynamic stability) performed at Invitae indicates that this missense variant is not expected to disrupt SLC35D1 protein function with a negative predictive value of 80%. In summary, the available evidence is currently insufficient to determine the role of this variant in disease. Therefore, it has been classified as a Variant of Uncertain Significance.